The following is an entry in ClinVar:

ClinVar aggregate classification (germline): Likely benign. Review status: criteria provided, multiple submitters, no conflicts (2 of 4 stars). 2 submissions from 2 submitters: Likely benign (2). Last evaluated 2024-07-29.

Conditions:
RYR1-related disorder. Also called: RYR1-related condition; RYR1-related disorders. Identifiers: MedGen CN239331.
Malignant hyperthermia, susceptibility to, 1 (MHS1). Also called: Anesthesia related hyperthermia; Malignant hyperpyrexia; Fulminating hyperpyrexia; Pharmacogenic myopathy; RYR1-Related Malignant Hyperthermia Susceptibility; Malignant hyperthermia suceptibility 1. Identifiers: Orphanet 423, MedGen C2930980, MONDO:0007783, OMIM 145600.

gnomAD v4.1: 2 of 1,614,096 alleles (0.00012%); no homozygotes.

Submissions (2):

All of Us Research Program, National Institutes of Health
Classification: Likely benign for Malignant hyperthermia, susceptibility to, 1. Last evaluated: 2024-07-29. Review status: criteria provided, single submitter. Criteria: ACMG Guidelines, 2015. Collection method: clinical testing. Allele origin: germline. Inheritance: Autosomal dominant inheritance. Observed: 1 variant allele, 1 heterozygote.
Comment: This study involves interpretation of variants in research participants for the purpose of population health screening. Participant phenotype was not available at the time of variant classification. Additional details can be found in publication PMID: 35346344, PMCID: PMC8962531

Labcorp Genetics (formerly Invitae), Labcorp
Classification: Likely benign for RYR1-related disorder. Last evaluated: 2020-02-15. Review status: criteria provided, single submitter. Criteria: Invitae Variant Classification Sherloc (09022015). Collection method: clinical testing. Allele origin: germline.

NM_000540.3(RYR1):c.1506T>C (p.Phe502=)

Genes: RYR1 (ryanodine receptor 1; plus strand), LOC129391106 (MPRA-validated peak3472 silencer; plus strand). Cytogenetic location: 19q13.2.
Variant type: single nucleotide variant.
Coding change: c.1506T>C on transcript NM_000540.3 (MANE Select); coding-DNA position 1506, T replaced by C.
Protein change: p.Phe502=; no amino-acid change (phenylalanine 502 retained).
Molecular consequence: synonymous variant.
Genome position (GRCh38, 1-based): chr19:38,455,300, T>C. VCF-style: chr19-38455300-T-C. GRCh37 (hg19) VCF-style: chr19-38945940-T-C.
Other names: c.1506T>C, p.Phe502= (NM_001042723.2).
Identifiers: ClinVar variation 1081617 (VCV001081617.10), dbSNP rs1967309351, ClinGen allele CA507352602.